The following is an entry in ClinVar:

NM_015999.6(ADIPOR1):c.38A>G (p.Asn13Ser)

Gene: ADIPOR1 (adiponectin receptor 1; minus strand). Cytogenetic location: 1q32.1.
Variant type: single nucleotide variant.
Coding change: c.38A>G on transcript NM_015999.6 (MANE Select); coding-DNA position 38, A replaced by G.
Protein change: p.Asn13Ser; replaces asparagine 13 with serine.
Molecular consequence: missense variant.
Genome position (GRCh38, 1-based): chr1:202,951,033, T>C on the plus strand (A>G on the coding strand, the complement: ADIPOR1 is on the minus strand). VCF-style: chr1-202951033-T-C. GRCh37 (hg19) VCF-style: chr1-202920161-T-C.
Other names: c.38A>G, p.Asn13Ser (NM_001127687.1, NM_001290553.2, NM_001290557.1 and 1 more transcripts); short protein forms N13S.
Identifiers: ClinVar variation 2800088 (VCV002800088.3), dbSNP rs2527487467, ClinGen allele CA344284806.

ClinVar aggregate classification (germline): Uncertain significance (1 of 4 stars; one submission).

Submission:

Labcorp Genetics (formerly Invitae), Labcorp
Classification: Uncertain significance. Last evaluated: 2023-01-31. Review status: criteria provided, single submitter. Criteria: Invitae Variant Classification Sherloc (09022015). Collection method: clinical testing. Allele origin: germline.
Comment: In summary, the available evidence is currently insufficient to determine the role of this variant in disease. Therefore, it has been classified as a Variant of Uncertain Significance. Algorithms developed to predict the effect of missense changes on protein structure and function output the following: SIFT: "Tolerated"; PolyPhen-2: "Benign"; Align-GVGD: "Class C0". The serine amino acid residue is found in multiple mammalian species, which suggests that this missense change does not adversely affect protein function. This variant has not been reported in the literature in individuals affected with ADIPOR1-related conditions. This variant is not present in population databases (gnomAD no frequency). This sequence change replaces asparagine, which is neutral and polar, with serine, which is neutral and polar, at codon 13 of the ADIPOR1 protein (p.Asn13Ser).